The following is an entry in ClinVar:

NM_020975.6(RET):c.276C>G (p.Thr92=)

Gene: RET (ret proto-oncogene; plus strand). Cytogenetic location: 10q11.21.
Variant type: single nucleotide variant.
Coding change: c.276C>G on transcript NM_020975.6 (MANE Select); coding-DNA position 276, C replaced by G.
Protein change: p.Thr92=; no amino-acid change (threonine 92 retained).
Molecular consequence: synonymous variant. On other transcripts: intron variant (4).
Genome position (GRCh38, 1-based): chr10:43,100,661, C>G. VCF-style: chr10-43100661-C-G. GRCh37 (hg19) VCF-style: chr10-43596109-C-G.
Other names: p.Thr92=; c.276C>G, p.Thr92= (NM_000323.2, NM_001406743.1, NM_001406744.1 and 34 more transcripts); c.74-8370C>G (NM_001406784.1); c.74-11438C>G (NM_001406794.1, NM_001406792.1, NM_001406793.1).
Identifiers: ClinVar variation 1140187 (VCV001140187.15), dbSNP rs886042820, ClinGen allele CA469490766.

ClinVar aggregate classification (germline): Conflicting classifications of pathogenicity. Review status: criteria provided, conflicting classifications (1 of 4 stars). 4 submissions from 4 submitters: Uncertain significance (1); Likely benign (3). Last evaluated 2024-12-22.

Conditions:
Multiple endocrine neoplasia, type 2 (MEN2). Identifiers: Orphanet 653, MedGen C4048306, MONDO:0019003. Disease mechanism: gain of function.
Hereditary cancer-predisposing syndrome. Also called: Hereditary Cancer Syndrome; Neoplastic Syndromes, Hereditary; Hereditary neoplastic syndrome; Tumor predisposition. Identifiers: Orphanet 140162, MedGen C0027672, MeSH D009386, MONDO:0015356.

Submissions (4):

Mayo Clinic Laboratories, Mayo Clinic
Classification: Likely benign. Last evaluated: 2024-12-22. Review status: criteria provided, single submitter. Criteria: ACMG Guidelines, 2015. Collection method: clinical testing. Allele origin: germline. Observed: 1 variant allele.
Comment: BP4, BP7

Ambry Genetics
Classification: Likely benign for Hereditary cancer-predisposing syndrome. Last evaluated: 2023-06-09. Review status: criteria provided, single submitter. Criteria: Ambry Variant Classification Scheme 2023. Collection method: clinical testing. Allele origin: germline.

Labcorp Genetics (formerly Invitae), Labcorp
Classification: Likely benign for Multiple endocrine neoplasia, type 2. Last evaluated: 2020-06-09. Review status: criteria provided, single submitter. Criteria: Invitae Variant Classification Sherloc (09022015). Collection method: clinical testing. Allele origin: germline.

Genetic Services Laboratory, University of Chicago
Classification: Uncertain significance. Last evaluated: 2020-01-09. Review status: criteria provided, single submitter. Criteria: ACMG Guidelines, 2015. Collection method: clinical testing. Allele origin: germline. Affected: no.